The following is an entry in ClinVar:

NM_004304.5(ALK):c.780C>A (p.Ser260Arg)

Gene: ALK (ALK receptor tyrosine kinase; minus strand). Cytogenetic location: 2p23.2.
Variant type: single nucleotide variant.
Coding change: c.780C>A on transcript NM_004304.5 (MANE Select); coding-DNA position 780, C replaced by A.
Protein change: p.Ser260Arg; replaces serine 260 with arginine.
Molecular consequence: missense variant.
Genome position (GRCh38, 1-based): chr2:29,717,585, G>T on the plus strand (C>A on the coding strand, the complement: ALK is on the minus strand). VCF-style: chr2-29717585-G-T. GRCh37 (hg19) VCF-style: chr2-29940451-G-T.
Other names: c.780C>A (NM_004304.4); short protein forms S260R.
Identifiers: ClinVar variation 2055009 (VCV002055009.5), dbSNP rs1233157268, ClinGen allele CA346587620.
Genomic context (GRCh38, chr2:29,717,585, plus strand): 5'-TTATTATGAGATAGTGACAGTGTATCTCAAGTAAATATTAAACATATACTTACCATATCG[G>T]CTGCGATGAGACAGGAAAGGGAAGGAGTCTTTCATTATCCAGGTGAGATTCCATGTAAAA-3'
Protein context (NP_004295.2, residues 250-270): KDSFPFLSHR[Ser260Arg]RYGLECSFDF

ClinVar aggregate classification (germline): Uncertain significance. Review status: criteria provided, multiple submitters, no conflicts (2 of 4 stars). 2 submissions from 2 submitters: Uncertain significance (2). Last evaluated 2025-09-28.

Conditions:
Hereditary cancer-predisposing syndrome. Also called: Neoplastic Syndromes, Hereditary; Hereditary Cancer Syndrome; Tumor predisposition; Hereditary neoplastic syndrome. Identifiers: Orphanet 140162, MedGen C0027672, MeSH D009386, MONDO:0015356.
Neuroblastoma, susceptibility to, 3. Also called: ALK-Related Neuroblastic Tumor Susceptibility. Identifiers: Orphanet 635, MedGen C2751681, MONDO:0013083, OMIM 613014.

Allele frequency attached by ClinVar (database versions not stated): gnomAD exomes below 0.00001.
gnomAD v4.1: 2 of 1,613,960 alleles (0.00012%); highest among the groups gnomAD compares: East Asian, 0.0022%; no homozygotes.

Submissions (2):

Labcorp Genetics (formerly Invitae), Labcorp
Classification: Uncertain significance for Neuroblastoma, susceptibility to, 3. Last evaluated: 2025-09-28. Review status: criteria provided, single submitter. Criteria: Invitae Variant Classification Sherloc (09022015). Collection method: clinical testing. Allele origin: germline.
Comment: This sequence change replaces serine, which is neutral and polar, with arginine, which is basic and polar, at codon 260 of the ALK protein (p.Ser260Arg). This variant is present in population databases (no rsID available, gnomAD 0.004%). This variant has not been reported in the literature in individuals affected with ALK-related conditions. ClinVar contains an entry for this variant (Variation ID: 2055009). An algorithm developed to predict the effect of missense changes on protein structure and function (PolyPhen-2) suggests that this variant is likely to be disruptive. In summary, the available evidence is currently insufficient to determine the role of this variant in disease. Therefore, it has been classified as a Variant of Uncertain Significance.

Ambry Genetics
Classification: Uncertain significance for Hereditary cancer-predisposing syndrome. Last evaluated: 2025-01-19. Review status: criteria provided, single submitter. Criteria: Ambry Variant Classification Scheme 2023. Collection method: clinical testing. Allele origin: germline.
Comment: The p.S260R variant (also known as c.780C>A), located in coding exon 2 of the ALK gene, results from a C to A substitution at nucleotide position 780. The serine at codon 260 is replaced by arginine, an amino acid with dissimilar properties. This amino acid position is conserved. In addition, this alteration is predicted to be tolerated by in silico analysis. Based on the available evidence, the clinical significance of this variant remains unclear.